The following is an entry in ClinVar:

ClinVar aggregate classification (germline): Uncertain significance. Review status: criteria provided, multiple submitters, no conflicts (2 of 4 stars). 2 submissions from 2 submitters: Uncertain significance (2). Last evaluated 2022-07-11.

Conditions:
Loeys-Dietz syndrome 2 (LDS2). Also called: TGFBR2-Related Loeys-Dietz Syndrome; Marfan Syndrome type 2; Marfan like connective tissue disorder; MFS 2; AORTIC ANEURYSM, FAMILIAL THORACIC 3; MARFAN SYNDROME, TYPE II. Identifiers: Orphanet 284973, Orphanet 558, MedGen C2674574, MONDO:0012427, OMIM 610168.

Allele frequency attached by ClinVar (database versions not stated): gnomAD exomes below 0.00001; ExAC 0.00001.

Submissions (2):

Ambry Genetics
Classification: Uncertain significance. Last evaluated: 2022-07-11. Review status: criteria provided, single submitter. Criteria: Ambry Variant Classification Scheme 2023. Collection method: clinical testing. Allele origin: germline.
Comment: The p.T160I variant (also known as c.479C>T), located in coding exon 3 of the TMPO gene, results from a C to T substitution at nucleotide position 479. The threonine at codon 160 is replaced by isoleucine, an amino acid with similar properties. This amino acid position is conserved. In addition, this alteration is predicted to be tolerated by in silico analysis. Since supporting evidence is limited at this time, the clinical significance of this alteration remains unclear.

Labcorp Genetics (formerly Invitae), Labcorp
Classification: Uncertain significance for Loeys-Dietz syndrome 2. Last evaluated: 2022-05-03. Review status: criteria provided, single submitter. Criteria: Invitae Variant Classification Sherloc (09022015). Collection method: clinical testing. Allele origin: germline.
Comment: In summary, the available evidence is currently insufficient to determine the role of this variant in disease. Therefore, it has been classified as a Variant of Uncertain Significance. Algorithms developed to predict the effect of missense changes on protein structure and function (SIFT, PolyPhen-2, Align-GVGD) all suggest that this variant is likely to be tolerated. This variant has not been reported in the literature in individuals affected with TMPO-related conditions. This variant is present in population databases (rs774531403, gnomAD 0.002%). This sequence change replaces threonine, which is neutral and polar, with isoleucine, which is neutral and non-polar, at codon 160 of the TMPO protein (p.Thr160Ile).

NM_001032283.3(TMPO):c.479C>T (p.Thr160Ile)

Gene: TMPO (thymopoietin; plus strand). Cytogenetic location: 12q23.1.
Variant type: single nucleotide variant.
Coding change: c.479C>T on transcript NM_001032283.3 (MANE Select); coding-DNA position 479, C replaced by T.
Protein change: p.Thr160Ile; replaces threonine 160 with isoleucine.
Molecular consequence: missense variant.
Genome position (GRCh38, 1-based): chr12:98,531,752, C>T. VCF-style: chr12-98531752-C-T. GRCh37 (hg19) VCF-style: chr12-98925530-C-T.
Other names: c.479C>T, p.Thr160Ile (NM_001032284.3, NM_001307975.2, NM_003276.2); short protein forms T160I.
Identifiers: ClinVar variation 1743157 (VCV001743157.7), dbSNP rs774531403, ClinGen allele CA6732214.